The following is an entry in ClinVar:

NM_022173.4(TIA1):c.517G>C (p.Gly173Arg)

Gene: TIA1 (TIA1 cytotoxic granule associated RNA binding protein; minus strand). Cytogenetic location: 2p13.3.
Variant type: single nucleotide variant.
Coding change: c.517G>C on transcript NM_022173.4 (MANE Select); coding-DNA position 517, G replaced by C.
Protein change: p.Gly173Arg; replaces glycine 173 with arginine.
Molecular consequence: missense variant. On other transcripts: non-coding transcript variant (17).
Genome position (GRCh38, 1-based): chr2:70,216,952, C>G on the plus strand (G>C on the coding strand, the complement: TIA1 is on the minus strand). VCF-style: chr2-70216952-C-G. GRCh37 (hg19) VCF-style: chr2-70444084-C-G.
Other names: c.517G>C, p.Gly173Arg (NM_001351508.2, NM_001351516.2, NM_001351518.2); c.490G>C, p.Gly164Arg (NM_001351509.2); c.484G>C, p.Gly162Arg (NM_001351510.2, NM_022037.4); c.406G>C, p.Gly136Arg (NM_001351511.1); c.379G>C, p.Gly127Arg (NM_001351512.1); c.373G>C, p.Gly125Arg (NM_001351513.1); c.289G>C, p.Gly97Arg (NM_001351514.2); c.214G>C, p.Gly72Arg (NM_001351515.2); and 1 more; short protein forms G162R, G164R, G33R, G125R, G127R, G173R, G72R, G97R.
Identifiers: ClinVar variation 4737817 (VCV004737817.1).

ClinVar aggregate classification (germline): Uncertain significance (1 of 4 stars; one submission).

Conditions:
Welander distal myopathy (WDM). Also called: MUSCULAR DYSTROPHY, DISTAL, LATE-ONSET, AUTOSOMAL DOMINANT; Gower's muscular dystrophy; Welander distal myopathy, Swedish type; Distal myopathy, Swedish type. Identifiers: Orphanet 603, MedGen C0221054, MONDO:0011466, OMIM 604454.

Submission:

Labcorp Genetics (formerly Invitae), Labcorp
Classification: Uncertain significance for Welander distal myopathy. Last evaluated: 2025-09-09. Review status: criteria provided, single submitter. Criteria: Invitae Variant Classification Sherloc (09022015). Collection method: clinical testing. Allele origin: germline.
Comment: This sequence change replaces glycine, which is neutral and non-polar, with arginine, which is basic and polar, at codon 173 of the TIA1 protein (p.Gly173Arg). This variant is not present in population databases (gnomAD no frequency). This variant has not been reported in the literature in individuals affected with TIA1-related conditions. Invitae Evidence Modeling of protein sequence and biophysical properties (such as structural, functional, and spatial information, amino acid conservation, physicochemical variation, residue mobility, and thermodynamic stability) indicates that this missense variant is not expected to disrupt TIA1 protein function with a negative predictive value of 80%. In summary, the available evidence is currently insufficient to determine the role of this variant in disease. Therefore, it has been classified as a Variant of Uncertain Significance.